The following is an entry in ClinVar:

ClinVar aggregate classification (germline): Likely benign (1 of 4 stars; one submission).

Conditions:
Cone dystrophy 3 (COD3). Also called: RETINAL CONE DYSTROPHY. Identifiers: Orphanet 1872, MedGen C1865869, MONDO:0011193, OMIM 602093.

Allele frequency attached by ClinVar (database versions not stated): gnomAD below 0.00001 and 0.00003; gnomAD exomes 0.00007; 1000 Genomes Project 30x 0.00047; 1000 Genomes Project 0.00060.

Submission:

Illumina Laboratory Services, Illumina
Classification: Likely benign for Cone dystrophy 3. Last evaluated: 2018-01-13. Review status: criteria provided, single submitter. Criteria: ICSL Variant Classification Criteria 13 December 2019. Collection method: clinical testing. Allele origin: germline.
Comment: This variant was observed in the ICSL laboratory as part of a predisposition screen in an ostensibly healthy population. It had not been previously curated by ICSL or reported in the Human Gene Mutation Database (HGMD: prior to June 1st, 2018), and was therefore a candidate for classification through an automated scoring system. Utilizing variant allele frequency, disease prevalence and penetrance estimates, and inheritance mode, an automated score was calculated to assess if this variant is too frequent to cause the disease. Based on the score and internal cut-off values, a variant classified as likely benign is not then subjected to further curation. The score for this variant resulted in a classification of likely benign for this disease.

NM_001384910.1(GUCA1A):c.*227C>A

Genes: GUCA1ANB-GUCA1A (GUCA1ANB-GUCA1A readthrough; plus strand), GUCA1A (guanylate cyclase activator 1A; plus strand). Cytogenetic location: 6p21.1.
Variant type: single nucleotide variant.
Coding change: c.*227C>A on transcript NM_001384910.1 (MANE Select); 227 bases downstream of the stop codon, C replaced by A.
Molecular consequence: 3 prime UTR variant.
Genome position (GRCh38, 1-based): chr6:42,179,630, C>A. VCF-style: chr6-42179630-C-A. GRCh37 (hg19) VCF-style: chr6-42147368-C-A.
Other names: c.*227C>A (NM_000409.5, NM_001319061.2, NM_001319062.2).
Identifiers: ClinVar variation 356694 (VCV000356694.5), dbSNP rs566678219, ClinGen allele CA10623876.